The following is an entry in ClinVar:

ClinVar aggregate classification (germline): Pathogenic (1 of 4 stars; one submission).

Conditions:
Danon disease. Also called: PSEUDOGLYCOGENOSIS II; Glycogen Storage Disease Type IIb; ANTOPOL DISEASE; GSD IIb; LYSOSOMAL GLYCOGEN STORAGE DISEASE WITHOUT ACID MALTASE DEFICIENCY. Identifiers: Orphanet 34587, MedGen C0878677, MONDO:0010281, OMIM 300257.

Submission:

Laboratory for Molecular Medicine, Mass General Brigham Personalized Medicine
Classification: Pathogenic for Danon disease. Last evaluated: 2013-08-09. Review status: criteria provided, single submitter. Criteria: LMM Criteria. Collection method: clinical testing. Allele origin: germline. Inheritance: X-linked inheritance. Observed: 2 variant alleles.
Comment: The Cys41fs variant in LAMP2 has not been reported in individuals with cardiomyo pathy or Danon disease or in large population studies. This frameshift variant i s predicted to alter the protein?s amino acid sequence beginning at position 41 and lead to a premature termination codon 8 amino acids downstream. This alterat ion is then predicted to lead to a truncated or absent protein. Loss of function of the LAMP2 gene is an established disease mechanism in males with Danon disea se. In summary, this variant meets our criteria to be classified as pathogenic based upon the predicted impact to the protein.

NM_002294.3(LAMP2):c.121del (p.Cys41fs)

Gene: LAMP2 (lysosome associated membrane protein 2; minus strand). Cytogenetic location: Xq24.
Variant type: Deletion.
Coding change: c.121del on transcript NM_002294.3 (MANE Select); coding-DNA position 121, one base deleted (T; older notation c.121delT).
Protein change: p.Cys41fs; shifts the reading frame from cysteine 41.
Molecular consequence: frameshift variant.
Genome position (GRCh38, 1-based): chrX:120,456,713, A deleted on the plus strand (T on the coding strand, the reverse complement: LAMP2 is on the minus strand); the first of 2 consecutive A bases (chrX:120,456,713-120,456,714); deleting either gives the same sequence. VCF-style (leftmost placement, unchanged base first): chrX-120456712-CA-C. GRCh37 (hg19) VCF-style: chrX-119590567-CA-C.
Other names: c.121delT (NM_002294.2); c.121del, p.Cys41fs (NM_001122606.1, NM_013995.2); short protein forms C41fs.
Identifiers: ClinVar variation 179062 (VCV000179062.6), dbSNP rs727504600, ClinGen allele CA183655.
Genomic context (GRCh38, chrX:120,456,712, plus strand): 5'-TAAGTTTTATTTGTAGTTTCATAGCGTACTGTGAAATTCATCTGCCATTTTGCATAAAGG[CA>C]AGTGGCATTTTCTGAATCTGTCAAATTAAGTTCCAATGCATAAGACCGCACAGCTCCTGG-3'